The following is an entry in ClinVar:

NM_001009944.3(PKD1):c.7483T>C (p.Cys2495Arg)

Gene: PKD1 (polycystin 1, transient receptor potential channel interacting; minus strand). Cytogenetic location: 16p13.3.
Variant type: single nucleotide variant.
Coding change: c.7483T>C on transcript NM_001009944.3 (MANE Select); coding-DNA position 7483, T replaced by C.
Protein change: p.Cys2495Arg; replaces cysteine 2495 with arginine.
Molecular consequence: missense variant.
Genome position (GRCh38, 1-based): chr16:2,106,404, A>G on the plus strand (T>C on the coding strand, the complement: PKD1 is on the minus strand). VCF-style: chr16-2106404-A-G. GRCh37 (hg19) VCF-style: chr16-2156405-A-G.
Other names: c.7483T>C, p.Cys2495Arg (NM_000296.4); short protein forms C2495R.
Identifiers: ClinVar variation 1256449 (VCV001256449.3), dbSNP rs2092338268, ClinGen allele CA394369381.

ClinVar aggregate classification (germline): Pathogenic/Likely pathogenic. Review status: criteria provided, multiple submitters, no conflicts (2 of 4 stars). 3 submissions from 3 submitters: Pathogenic (1); Likely pathogenic (2). Last evaluated 2025-05-28.

Conditions:
Polycystic kidney disease, adult type (PKD1). Also called: POLYCYSTIC KIDNEY DISEASE 1 WITH OR WITHOUT POLYCYSTIC LIVER DISEASE; Polycystic Kidney Disease 1, Autosomal Dominant; Polycystic kidney disease 1; Polycystic kidney disease 1, severe; POLYCYSTIC KIDNEY DISEASE, ADULT, TYPE I; Polycystic Kidney, Autosomal Dominant. Identifiers: MedGen C3149841, MONDO:0008263, OMIM 173900.

Submissions (3):

Women's Health and Genetics/Laboratory Corporation of America, LabCorp
Classification: Pathogenic for Polycystic kidney disease, adult type. Last evaluated: 2025-05-28. Review status: criteria provided, single submitter. Criteria: LabCorp Variant Classification Summary - May 2015. Collection method: clinical testing. Allele origin: germline.
Comment: Variant summary: PKD1 c.7483T>C (p.Cys2495Arg) results in a non-conservative amino acid change in the encoded protein sequence. Algorithms developed to predict the effect of missense changes on protein structure and function all suggest that this variant is likely to be disruptive. The variant was absent in 184192 control chromosomes. c.7483T>C has been observed in multiple individuals affected with Polycystic Kidney Disease and has been shown to segregate with disease in family members (e.g., Audrezet_2012, Bekheirnia_2021, Durkie_2021). These data indicate that the variant is very likely to be associated with disease. The following publications have been ascertained in the context of this evaluation (PMID: 22508176, 35368817, 33168999). ClinVar contains an entry for this variant (Variation ID: 1256449). Based on the evidence outlined above, the variant was classified as pathogenic.

Fulgent Genetics
Classification: Likely pathogenic for Polycystic kidney disease, adult type. Last evaluated: 2024-04-11. Review status: criteria provided, single submitter. Criteria: ACMG Guidelines, 2015. Collection method: clinical testing. Allele origin: germline.

Athena Diagnostics
Classification: Likely pathogenic. Last evaluated: 2021-03-09. Review status: criteria provided, single submitter. Criteria: Athena Diagnostics criteria. Collection method: clinical testing. Allele origin: unknown.
Comment: This variant has not been reported in large, multi-ethnic general populations. This variant has been identified in multiple unrelated individuals with autosomal dominant polycystic kidney disease (ADPKD). Computational tools predict that this variant is damaging. The variant is located in a region that is considered important for protein function and/or structure.

Literature cited by the submitters: PubMed 33168999 (cited by Women's Health and Genetics/Laboratory Corporation of America, LabCorp); PubMed 22508176 (cited by Women's Health and Genetics/Laboratory Corporation of America, LabCorp and Athena Diagnostics); PubMed 35368817 (cited by Women's Health and Genetics/Laboratory Corporation of America, LabCorp); PubMed 23431072 (cited by Athena Diagnostics); PubMed 27782177 (cited by Athena Diagnostics); PubMed 29529603 (cited by Athena Diagnostics); PubMed 28194574 (cited by Athena Diagnostics).